The following is an entry in ClinVar:

NM_015164.4(PLEKHM2):c.1313G>A (p.Arg438Gln)

Gene: PLEKHM2 (pleckstrin homology and RUN domain containing M2; plus strand). Cytogenetic location: 1p36.21.
Variant type: single nucleotide variant.
Coding change: c.1313G>A on transcript NM_015164.4 (MANE Select); coding-DNA position 1313, G replaced by A.
Protein change: p.Arg438Gln; replaces arginine 438 with glutamine.
Molecular consequence: missense variant.
Genome position (GRCh38, 1-based): chr1:15,727,385, G>A. VCF-style: chr1-15727385-G-A. GRCh37 (hg19) VCF-style: chr1-16053880-G-A.
Other names: short protein forms R438Q.
Identifiers: ClinVar variation 578765 (VCV000578765.10), dbSNP rs370277036, ClinGen allele CA616910.
Genomic context (GRCh38, chr1:15,727,385, plus strand): 5'-ACGGGCAGCTGGACCCCAGCACCTGGTGCTCCCGTGCTGAGCCCCCAGACCAGTCCTTTC[G>A]GACCGGCTCTCCCGGGGATGCCCCGGAGAGGCCGCCGCTTTGCGACTTTAGTGAGGGGCT-3'
Protein context (NP_055979.2, residues 428-448): SRAEPPDQSF[Arg438Gln]TGSPGDAPER

ClinVar aggregate classification (germline): Uncertain significance. Review status: criteria provided, multiple submitters, no conflicts (2 of 4 stars). 2 submissions from 2 submitters: Uncertain significance (2). Last evaluated 2025-02-16.

Allele frequency attached by ClinVar (database versions not stated): gnomAD exomes 0.00002 and 0.00003; TOPMed 0.00006; gnomAD 0.00007 and 0.00008; ExAC 0.00008; ESP Exome Variant Server 0.00008.
gnomAD v4.1: 42 of 1,602,652 alleles (0.0026%); highest among the groups gnomAD compares: African/African-American, 0.017%; no homozygotes.

Submissions (2):

Labcorp Genetics (formerly Invitae), Labcorp
Classification: Uncertain significance. Last evaluated: 2025-02-16. Review status: criteria provided, single submitter. Criteria: Invitae Variant Classification Sherloc (09022015). Collection method: clinical testing. Allele origin: germline.
Comment: This sequence change replaces arginine, which is basic and polar, with glutamine, which is neutral and polar, at codon 438 of the PLEKHM2 protein (p.Arg438Gln). This variant is present in population databases (rs370277036, gnomAD 0.03%). This variant has not been reported in the literature in individuals affected with PLEKHM2-related conditions. ClinVar contains an entry for this variant (Variation ID: 578765). An algorithm developed to predict the effect of missense changes on protein structure and function (PolyPhen-2) suggests that this variant is likely to be tolerated. In summary, the available evidence is currently insufficient to determine the role of this variant in disease. Therefore, it has been classified as a Variant of Uncertain Significance.

Blueprint Genetics
Classification: Uncertain significance. Last evaluated: 2020-07-28. Review status: criteria provided, single submitter. Criteria: ACMG Guidelines, 2015. Collection method: clinical testing. Allele origin: germline.